The following is an entry in ClinVar:

NM_020989.4(CRYGC):c.156del (p.Gly53fs)

Genes: CRYGC (crystallin gamma C; minus strand), LOC100507443 (uncharacterized LOC100507443; plus strand). Cytogenetic location: 2q33.3.
Variant type: Deletion.
Coding change: c.156del on transcript NM_020989.4 (MANE Select); coding-DNA position 156, one base deleted (A; older notation c.156delA).
Protein change: p.Gly53fs; shifts the reading frame from glycine 53.
Molecular consequence: frameshift variant.
Genome position (GRCh38, 1-based): chr2:208,129,537, T deleted on the plus strand (A on the coding strand, the reverse complement: CRYGC is on the minus strand); the first of 2 consecutive T bases (chr2:208,129,537-208,129,538); deleting either gives the same sequence. VCF-style (leftmost placement, unchanged base first): chr2-208129536-CT-C. GRCh37 (hg19) VCF-style: chr2-208994260-CT-C.
Other names: short protein forms G53fs.
Identifiers: ClinVar variation 3345579 (VCV003345579.1).

ClinVar aggregate classification (germline): Likely pathogenic (0 of 4 stars; one submission).

Conditions:
CRYGC-related disorder. Also called: CRYGC-related condition.

Submission:

PreventionGenetics, part of Exact Sciences
Classification: Likely pathogenic for CRYGC-related condition. Last evaluated: 2024-07-25. Review status: no assertion criteria provided. Collection method: clinical testing. Allele origin: germline.
Comment: The CRYGC c.156delA variant is predicted to result in a frameshift and premature protein termination (p.Gly53Valfs*50). To our knowledge, this variant has not been reported in the literature or in a large population database, indicating this variant is rare. Frameshift variants in CRYGC are expected to be pathogenic. This variant is interpreted as likely pathogenic.